The following is an entry in ClinVar:

ClinVar aggregate classification (germline): Uncertain significance. Review status: criteria provided, multiple submitters, no conflicts (2 of 4 stars). 2 submissions from 2 submitters: Uncertain significance (2). Last evaluated 2025-08-08.

Conditions:
Biotinidase deficiency. Also called: BTD deficiency; Late-onset biotin-responsive multiple carboxylase deficiency; Biotin deficiency. Identifiers: Orphanet 79241, MedGen C0220754, MONDO:0009665, OMIM 253260.
Inborn genetic diseases. Identifiers: MedGen C0950123, MeSH D030342.

gnomAD v4.1: 28 of 1,614,166 alleles (0.0017%); highest among the groups gnomAD compares: South Asian, 0.03%; no homozygotes.

Submissions (2):

Victorian Clinical Genetics Services, Murdoch Childrens Research Institute
Classification: Uncertain significance for Biotinidase deficiency. Last evaluated: 2025-08-08. Review status: criteria provided, single submitter. Criteria: ACMG Guidelines, 2015. Collection method: clinical testing. Allele origin: germline. Affected: no.
Comment: This variant is classified as VUS-3C. Evidence in support of pathogenic classification: Variant is present in gnomAD <0.01 for a recessive condition (v4: 28 heterozygote(s), 0 homozygote(s)). Evidence in support of benign classification: Missense variant predicted to be tolerated by in silico tool(s) or not conserved in placental mammals with a minor amino acid change. Additional information: Variant is predicted to result in a missense amino acid change from Gln to His; This variant is heterozygous; This gene is associated with autosomal recessive disease; Alternative amino acid change(s) at the same position are present in gnomAD (highest allele count: v4: 7 heterozygote(s), 0 homozygote(s)); Previous evidence of pathogenicity for this variant is inconclusive. This variant has been classified as a VUS by a clinical laboratory in ClinVar; No published evidence of segregation with disease has been identified for this variant; No published functional evidence has been identified for this variant; Another missense variant(s) comparable to the one identified in this case has inconclusive previous evidence for pathogenicity. p.(Gln116Arg) has been classified as a VUS by a clinical laboratory in ClinVar; Variant is located in the annotated biotinidase_like domain (NCBI); Loss of function is a known mechanism of disease in this gene and is associated with biotinidase deficiency (MIM#253260); Variants in this gene are known to have variable expressivity. The condition associated with this gene is known to range from partial, with milder symptoms and later onset, to profound, with more severe symptoms and earlier onset. Also, individuals with the same genotype have been observed to have different clinical and biochemical phenotypes (PMIDs: 20301497, 28498829).

Ambry Genetics
Classification: Uncertain significance for Inborn genetic diseases. Last evaluated: 2024-10-09. Review status: criteria provided, single submitter. Criteria: Ambry Variant Classification Scheme 2023. Collection method: clinical testing. Allele origin: germline.

Literature cited by the submitters: PubMed 20301497 (cited by Victorian Clinical Genetics Services, Murdoch Childrens Research Institute); PubMed 28498829 (cited by Victorian Clinical Genetics Services, Murdoch Childrens Research Institute).

NM_001370658.1(BTD):c.348G>T (p.Gln116His)

Gene: BTD (biotinidase; plus strand). Cytogenetic location: 3p25.1.
Variant type: single nucleotide variant.
Coding change: c.348G>T on transcript NM_001370658.1 (MANE Select); coding-DNA position 348, G replaced by T.
Protein change: p.Gln116His; replaces glutamine 116 with histidine.
Molecular consequence: missense variant.
Genome position (GRCh38, 1-based): chr3:15,642,006, G>T. VCF-style: chr3-15642006-G-T. GRCh37 (hg19) VCF-style: chr3-15683513-G-T.
Other names: c.408G>T (NM_000060.2); c.348G>T, p.Gln116His (NM_001281723.4, NM_001281724.3, NM_001281725.3 and 36 more transcripts); c.411G>T, p.Gln137His (NM_001407381.1); short protein forms Q137H, Q116H.
Identifiers: ClinVar variation 3482852 (VCV003482852.3).